The following is an entry in ClinVar:

ClinVar aggregate classification (germline): Uncertain significance (1 of 4 stars; one submission).

gnomAD v4.1: 2 of 1,614,188 alleles (0.00012%); highest among the groups gnomAD compares: Admixed American, 0.0017%; no homozygotes.

Submission:

Ambry Genetics
Classification: Uncertain significance. Last evaluated: 2024-05-11. Review status: criteria provided, single submitter. Criteria: Ambry Variant Classification Scheme 2023. Collection method: clinical testing. Allele origin: germline.
Comment: The p.Q28H variant (also known as c.84G>C), located in coding exon 1 of the BUB3 gene, results from a G to C substitution at nucleotide position 84. The glutamine at codon 28 is replaced by histidine, an amino acid with highly similar properties. This amino acid position is conserved. In addition, the in silico prediction for this alteration is inconclusive. Since supporting evidence is limited at this time, the clinical significance of this alteration remains unclear.

NM_004725.4(BUB3):c.84G>C (p.Gln28His)

Genes: BUB3 (BUB3 mitotic checkpoint protein; plus strand), LOC130004885 (ATAC-STARR-seq lymphoblastoid active region 4151; plus strand). Cytogenetic location: 10q26.13.
Variant type: single nucleotide variant.
Coding change: c.84G>C on transcript NM_004725.4 (MANE Select); coding-DNA position 84, G replaced by C.
Protein change: p.Gln28His; replaces glutamine 28 with histidine.
Molecular consequence: missense variant.
Genome position (GRCh38, 1-based): chr10:123,155,001, G>C. VCF-style: chr10-123155001-G-C. GRCh37 (hg19) VCF-style: chr10-124914517-G-C.
Other names: c.84G>C, p.Gln28His (NM_001007793.3); short protein forms Q28H.
Identifiers: ClinVar variation 1763647 (VCV001763647.3), dbSNP rs558156534, ClinGen allele CA378624907.
Genomic context (GRCh38, chr10:123,155,001, plus strand): 5'-GCTGAACCAGCCACCCGAGGATGGCATCTCCTCCGTGAAGTTCAGCCCCAACACCTCCCA[G>C]TTCCTGCTTGTCTCCTCCTGGGACACGTCCGTGCGTCTCTACGATGTGCCGGCCAACTCC-3'
Protein context (NP_004716.1, residues 18-38): SSVKFSPNTS[Gln28His]FLLVSSWDTS